The following is an entry in ClinVar:

ClinVar aggregate classification (germline): Uncertain significance (1 of 4 stars; one submission).

Submission:

Ambry Genetics
Classification: Uncertain significance. Last evaluated: 2022-03-29. Review status: criteria provided, single submitter. Criteria: Ambry Variant Classification Scheme 2023. Collection method: clinical testing. Allele origin: germline.
Comment: The p.Q654P variant (also known as c.1961A>C), located in coding exon 3 of the ALPK2 gene, results from an A to C substitution at nucleotide position 1961. The glutamine at codon 654 is replaced by proline, an amino acid with similar properties. This amino acid position is conserved. In addition, the in silico prediction for this alteration is inconclusive. Since supporting evidence is limited at this time, the clinical significance of this alteration remains unclear.

NM_052947.4(ALPK2):c.1961A>C (p.Gln654Pro)

Gene: ALPK2 (alpha kinase 2; minus strand). Cytogenetic location: 18q21.31.
Variant type: single nucleotide variant.
Coding change: c.1961A>C on transcript NM_052947.4 (MANE Select); coding-DNA position 1961, A replaced by C.
Protein change: p.Gln654Pro; replaces glutamine 654 with proline.
Molecular consequence: missense variant.
Genome position (GRCh38, 1-based): chr18:58,578,815, T>G on the plus strand (A>C on the coding strand, the complement: ALPK2 is on the minus strand). VCF-style: chr18-58578815-T-G. GRCh37 (hg19) VCF-style: chr18-56246047-T-G.
Other names: short protein forms Q654P.
Identifiers: ClinVar variation 1783437 (VCV001783437.2), dbSNP rs527618518, ClinGen allele CA402559304.